The following is an entry in ClinVar:

NM_004974.4(KCNA2):c.1265_1266del (p.Glu422fs)

Gene: KCNA2 (potassium voltage-gated channel subfamily A member 2; minus strand). Cytogenetic location: 1p13.3.
Variant type: Microsatellite.
Coding change: c.1265_1266del on transcript NM_004974.4 (MANE Select); coding-DNA positions 1265 to 1266, 2 bases deleted (AG; older notation c.1265_1266delAG).
Protein change: p.Glu422fs; shifts the reading frame from glutamic acid 422.
Molecular consequence: frameshift variant. On other transcripts: intron variant (1).
Genome position (GRCh38, 1-based): chr1:110,603,517-110,603,518, CT deleted on the plus strand (AG on the coding strand, the reverse complement: KCNA2 is on the minus strand); deleting any 2 consecutive bases within chr1:110,603,517-110,603,520 gives the same sequence; the c. name uses the placement nearest the transcript's 3' end. VCF-style (leftmost placement, unchanged base first): chr1-110603516-CCT-C. GRCh37 (hg19) VCF-style: chr1-111146138-CCT-C.
Other names: c.894+371_894+372del (NM_001204269.2); c.1265_1266del (NM_004974.3); short protein forms E422fs.
Identifiers: ClinVar variation 423204 (VCV000423204.14), dbSNP rs1064796294, ClinGen allele CA16616953.

ClinVar aggregate classification (germline): Pathogenic/Likely pathogenic. Review status: criteria provided, multiple submitters, no conflicts (2 of 4 stars). 3 submissions from 3 submitters: Pathogenic (2); Likely pathogenic (1). Last evaluated 2025-04-16.

Conditions:
Seizure. Also called: Seizures. Identifiers: MedGen C0036572, HP:0001250.
Developmental and epileptic encephalopathy, 32 (DEE32). Also called: Epileptic encephalopathy, early infantile, 32. Identifiers: Orphanet 442835, MedGen C4225350, MONDO:0014607, OMIM 616366.

Submissions (3):

Labcorp Genetics (formerly Invitae), Labcorp
Classification: Pathogenic for Developmental and epileptic encephalopathy, 32. Last evaluated: 2025-04-16. Review status: criteria provided, single submitter. Criteria: Invitae Variant Classification Sherloc (09022015). Collection method: clinical testing. Allele origin: germline.
Comment: This sequence change creates a premature translational stop signal (p.Glu422Glyfs*21) in the KCNA2 gene. While this is not anticipated to result in nonsense mediated decay, it is expected to disrupt the last 78 amino acid(s) of the KCNA2 protein. This variant is not present in population databases (gnomAD no frequency). This premature translational stop signal has been observed in individual(s) with clinical features of early infantile epileptic encephalopathy (PMID: 31054490; internal data). In at least one individual the variant was observed to be de novo. ClinVar contains an entry for this variant (Variation ID: 423204). Experimental studies and prediction algorithms are not available or were not evaluated, and the functional significance of this variant is currently unknown. For these reasons, this variant has been classified as Pathogenic.

Cytogénomique, Hospices Civils de Lyon
Classification: Pathogenic for Seizures. Last evaluated: 2024-02-15. Review status: criteria provided, single submitter. Criteria: ACMG Guidelines, 2015. Collection method: clinical testing. Allele origin: unknown. Affected: yes. Observed: 1 variant allele, 1 compound heterozygote.

GeneDx
Classification: Likely pathogenic. Last evaluated: 2017-01-30. Review status: criteria provided, single submitter. Criteria: GeneDx Variant Classification (06012015). Collection method: clinical testing. Allele origin: germline. Affected: yes.
Comment: The c.1265_1266delAG variant in the KCNA2 gene has not been reported previously as a pathogenic variant nor as a benign variant, to our knowledge. This variant causes a frameshift starting with codon Glutamic Acid 422, changes this amino acid to a Glycine residue, and creates a premature Stop codon at position 21 of the new reading frame, denoted p.Glu422GlyfsX21. This variant is predicted to cause loss of normal protein function through protein truncation, as the last 78 amino acids of the protein are replaced by 20 incorrect amino acids. The c.1265_1266delAG variant was not observed in approximately 6500 individuals of European and African American ancestry in the NHLBI Exome Sequencing Project, indicating it is not a common benign variant in these populations. The c.1265_1266delAG variant is a strong candidate for a pathogenic variant

Literature cited by the submitters: PubMed 31054490 (cited by Labcorp Genetics (formerly Invitae), Labcorp).